The following is an entry in ClinVar:

NM_032444.4(SLX4):c.1808C>T (p.Ser603Leu)

Gene: SLX4 (SLX4 structure-specific endonuclease subunit; minus strand). Cytogenetic location: 16p13.3.
Variant type: single nucleotide variant.
Coding change: c.1808C>T on transcript NM_032444.4 (MANE Select); coding-DNA position 1808, C replaced by T.
Protein change: p.Ser603Leu; replaces serine 603 with leucine.
Molecular consequence: missense variant.
Genome position (GRCh38, 1-based): chr16:3,596,269, G>A on the plus strand (C>T on the coding strand, the complement: SLX4 is on the minus strand). VCF-style: chr16-3596269-G-A. GRCh37 (hg19) VCF-style: chr16-3646270-G-A.
Other names: short protein forms S603L.
Identifiers: ClinVar variation 4739504 (VCV004739504.1).

ClinVar aggregate classification (germline): Uncertain significance (1 of 4 stars; one submission).

Conditions:
Fanconi anemia (FA). Also called: Fanconi's anemia. Identifiers: Orphanet 84, MedGen C0015625, MeSH D005199, MONDO:0019391.

gnomAD v4.1: 8 of 1,563,844 alleles (0.00051%); highest among the groups gnomAD compares: Non-Finnish European, 0.00069%; no homozygotes.

Submission:

Labcorp Genetics (formerly Invitae), Labcorp
Classification: Uncertain significance for Fanconi anemia. Last evaluated: 2026-01-19. Review status: criteria provided, single submitter. Criteria: Invitae Variant Classification Sherloc (09022015). Collection method: clinical testing. Allele origin: germline.
Comment: This sequence change replaces serine, which is neutral and polar, with leucine, which is neutral and non-polar, at codon 603 of the SLX4 protein (p.Ser603Leu). The frequency data for this variant in the population databases is considered unreliable, as metrics indicate poor data quality at this position in the gnomAD database. This variant has not been reported in the literature in individuals affected with SLX4-related conditions. An algorithm developed to predict the effect of missense changes on protein structure and function (PolyPhen-2) suggests that this variant is likely to be disruptive. In summary, the available evidence is currently insufficient to determine the role of this variant in disease. Therefore, it has been classified as a Variant of Uncertain Significance.